The following is an entry in ClinVar:

ClinVar aggregate classification (germline): Uncertain significance (1 of 4 stars; one submission).

gnomAD v4.1: 3 of 1,611,700 alleles (0.00019%); highest among the groups gnomAD compares: South Asian, 0.0011%; no homozygotes.

Submission:

Labcorp Genetics (formerly Invitae), Labcorp
Classification: Uncertain significance. Last evaluated: 2021-12-21. Review status: criteria provided, single submitter. Criteria: Invitae Variant Classification Sherloc (09022015). Collection method: clinical testing. Allele origin: germline.
Comment: In summary, the available evidence is currently insufficient to determine the role of this variant in disease. Therefore, it has been classified as a Variant of Uncertain Significance. Algorithms developed to predict the effect of missense changes on protein structure and function are either unavailable or do not agree on the potential impact of this missense change (SIFT: "Deleterious"; PolyPhen-2: "Benign"; Align-GVGD: "Class C0"). This variant has not been reported in the literature in individuals affected with RIMS1-related conditions. This variant is not present in population databases (gnomAD no frequency). This sequence change replaces threonine, which is neutral and polar, with isoleucine, which is neutral and non-polar, at codon 1533 of the RIMS1 protein (p.Thr1533Ile).

NM_014989.7(RIMS1):c.4598C>T (p.Thr1533Ile)

Gene: RIMS1 (regulating synaptic membrane exocytosis 1; plus strand). Cytogenetic location: 6q13.
Variant type: single nucleotide variant.
Coding change: c.4598C>T on transcript NM_014989.7 (MANE Select); coding-DNA position 4598, C replaced by T.
Protein change: p.Thr1533Ile; replaces threonine 1533 with isoleucine.
Molecular consequence: missense variant.
Genome position (GRCh38, 1-based): chr6:72,392,790, C>T. VCF-style: chr6-72392790-C-T. GRCh37 (hg19) VCF-style: chr6-73102492-C-T.
Other names: c.2558C>T, p.Thr853Ile (NM_001168407.2); c.1973C>T, p.Thr658Ile (NM_001168408.2, NM_001350430.2); c.1802C>T, p.Thr601Ile (NM_001168409.2); c.2000C>T, p.Thr667Ile (NM_001168410.2); c.179C>T, p.Thr60Ile (NM_001168411.2); c.2519C>T, p.Thr840Ile (NM_001350414.2); c.2615C>T, p.Thr872Ile (NM_001350415.2); c.2564C>T, p.Thr855Ile (NM_001350416.2); and 54 more; short protein forms T657I, T667I, T681I, T707I, T709I, T722I, T763I, T764I.
Identifiers: ClinVar variation 1475055 (VCV001475055.8), dbSNP rs2154442838, ClinGen allele CA364819501.